The following is an entry in ClinVar:

ClinVar aggregate classification (germline): Pathogenic (1 of 4 stars; one submission).

Conditions:
Glycogen storage disease, type II (IOPD). Also called: CARDIOMEGALIA GLYCOGENICA DIFFUSA; GLYCOGENOSIS, GENERALIZED, CARDIAC FORM; GSD II; Glycogen storage disease type 2; Acid maltase deficiency disease; Aglucosidase alfa. Identifiers: Orphanet 365, MedGen C0017921, MONDO:0009290, OMIM 232300.

Submission:

Myriad Genetics, Inc.
Classification: Pathogenic for Glycogen storage disease, type II. Last evaluated: 2026-09-05. Review status: criteria provided, single submitter. Criteria: Myriad Autosomal Dominant, Autosomal Recessive and X-Linked Classification Criteria (2023). Collection method: clinical testing. Allele origin: unknown.
Comment: NM_000152.3(GAA):c.803delT(M268Sfs*46) is expected to be pathogenic in the context of Pompe disease. This variant is predicted to lead to an abnormal or absent protein product due to the creation of a premature termination codon in GAA, a gene where loss-of-function variants are known to be pathogenic. Please note: this variant was assessed in the context of healthy population screening.

NM_000152.5(GAA):c.803del (p.Met268fs)

Gene: GAA (alpha glucosidase; plus strand). Cytogenetic location: 17q25.3.
Variant type: Deletion.
Coding change: c.803del on transcript NM_000152.5 (MANE Select); coding-DNA position 803, one base deleted (T; older notation c.803delT).
Protein change: p.Met268fs; shifts the reading frame from methionine 268.
Molecular consequence: frameshift variant.
Genome position (GRCh38, 1-based): chr17:80,107,667, T deleted. VCF-style (leftmost placement, unchanged base first): chr17-80107666-AT-A. GRCh37 (hg19) VCF-style: chr17-78081465-AT-A.
Other names: c.803del, p.Met268fs (NM_001079803.3, NM_001079804.3, NM_001406741.1 and 1 more transcripts); short protein forms M268fs.
Identifiers: ClinVar variation 5016319 (VCV005016319.1).